The following is an entry in ClinVar:

ClinVar aggregate classification (germline): Uncertain significance (1 of 4 stars; one submission).

Conditions:
Inborn genetic diseases. Identifiers: MedGen C0950123, MeSH D030342.

Submission:

Ambry Genetics
Classification: Uncertain significance for Inborn genetic diseases. Last evaluated: 2024-06-07. Review status: criteria provided, single submitter. Criteria: Ambry Variant Classification Scheme 2023. Collection method: clinical testing. Allele origin: germline.
Comment: The p.S383N variant (also known as c.1148G>A), located in coding exon 10 of the LRRK2 gene, results from a G to A substitution at nucleotide position 1148. The serine at codon 383 is replaced by asparagine, an amino acid with highly similar properties. This amino acid position is conserved. In addition, this alteration is predicted to be tolerated by in silico analysis. Based on the available evidence, the clinical significance of this variant remains unclear.

NM_198578.4(LRRK2):c.1148G>A (p.Ser383Asn)

Gene: LRRK2 (leucine rich repeat kinase 2; plus strand). Cytogenetic location: 12q12.
Variant type: single nucleotide variant.
Coding change: c.1148G>A on transcript NM_198578.4 (MANE Select); coding-DNA position 1148, G replaced by A.
Protein change: p.Ser383Asn; replaces serine 383 with asparagine.
Molecular consequence: missense variant.
Genome position (GRCh38, 1-based): chr12:40,251,511, G>A. VCF-style: chr12-40251511-G-A. GRCh37 (hg19) VCF-style: chr12-40645313-G-A.
Other names: short protein forms S383N.
Identifiers: ClinVar variation 3291900 (VCV003291900.1).